The following is an entry in ClinVar:

NM_000254.3(MTR):c.1712C>G (p.Ala571Gly)

Gene: MTR (5-methyltetrahydrofolate-homocysteine methyltransferase; plus strand). Cytogenetic location: 1q43.
Variant type: single nucleotide variant.
Coding change: c.1712C>G on transcript NM_000254.3 (MANE Select); coding-DNA position 1712, C replaced by G.
Protein change: p.Ala571Gly; replaces alanine 571 with glycine.
Molecular consequence: missense variant.
Genome position (GRCh38, 1-based): chr1:236,852,537, C>G. VCF-style: chr1-236852537-C-G. GRCh37 (hg19) VCF-style: chr1-237015837-C-G.
Other names: c.1712C>G, p.Ala571Gly (NM_001291939.1, NM_001410942.1); c.491C>G, p.Ala164Gly (NM_001291940.2); short protein forms A164G, A571G.
Identifiers: ClinVar variation 1714673 (VCV001714673.5), dbSNP rs2528176949, ClinGen allele CA345374628.

ClinVar aggregate classification (germline): Uncertain significance (1 of 4 stars; one submission).

Conditions:
Methylcobalamin deficiency type cblG (HMAG). Also called: Functional methionine synthase deficiency type cblG; HOMOCYSTINURIA-MEGALOBLASTIC ANEMIA, cblG TYPE; HOMOCYSTINURIA-MEGALOBLASTIC ANEMIA, cblG COMPLEMENTATION TYPE; HOMOCYSTINURIA-MEGALOBLASTIC ANEMIA DUE TO DEFECT IN COBALAMIN METABOLISM, cblG COMPLEMENTATION TYPE. Identifiers: Orphanet 2170, Orphanet 622, MedGen C1855128, MONDO:0009609, OMIM 250940.

gnomAD v4.1: 2 of 1,613,852 alleles (0.00012%); highest among the groups gnomAD compares: Non-Finnish European, 0.000085%; no homozygotes.

Submission:

Labcorp Genetics (formerly Invitae), Labcorp
Classification: Uncertain significance for Methylcobalamin deficiency type cblG. Last evaluated: 2022-08-01. Review status: criteria provided, single submitter. Criteria: Invitae Variant Classification Sherloc (09022015). Collection method: clinical testing. Allele origin: germline.
Comment: In summary, the available evidence is currently insufficient to determine the role of this variant in disease. Therefore, it has been classified as a Variant of Uncertain Significance. Algorithms developed to predict the effect of missense changes on protein structure and function (SIFT, PolyPhen-2, Align-GVGD) all suggest that this variant is likely to be tolerated. This variant has not been reported in the literature in individuals affected with MTR-related conditions. This variant is not present in population databases (gnomAD no frequency). This sequence change replaces alanine, which is neutral and non-polar, with glycine, which is neutral and non-polar, at codon 571 of the MTR protein (p.Ala571Gly).